The following is an entry in ClinVar:

ClinVar aggregate classification (germline): Uncertain significance (1 of 4 stars; one submission).

Submission:

Labcorp Genetics (formerly Invitae), Labcorp
Classification: Uncertain significance. Last evaluated: 2025-06-12. Review status: criteria provided, single submitter. Criteria: Invitae Variant Classification Sherloc (09022015). Collection method: clinical testing. Allele origin: germline.
Comment: This variant, c.321_338dup, results in the insertion of 6 amino acid(s) of the LRP5 protein (p.Val108_Leu113dup), but otherwise preserves the integrity of the reading frame. This variant is not present in population databases (gnomAD no frequency). This variant has not been reported in the literature in individuals affected with LRP5-related conditions. ClinVar contains an entry for this variant (Variation ID: 2122819). In summary, the available evidence is currently insufficient to determine the role of this variant in disease. Therefore, it has been classified as a Variant of Uncertain Significance.

NM_002335.4(LRP5):c.321_338dup (p.Leu113_Ala114insValSerProAspGlyLeu)

Gene: LRP5 (LDL receptor related protein 5; plus strand). Cytogenetic location: 11q13.2.
Variant type: Duplication.
Coding change: c.321_338dup on transcript NM_002335.4 (MANE Select); coding-DNA positions 321 to 338, 18 bases duplicated (GGTCTCTCCCGACGGCCT).
Protein change: p.Leu113_Ala114insValSerProAspGlyLeu.
Molecular consequence: inframe insertion. On other transcripts: 5 prime UTR variant (1).
Genome position (GRCh38, 1-based): chr11:68,348,076-68,348,093, GGTCTCTCCCGACGGCCT duplicated; duplicating any 18 consecutive bases within chr11:68,348,070-68,348,093 gives the same sequence; the c. name uses the placement nearest the transcript's 3' end. VCF-style (leftmost placement, unchanged base first): chr11-68348069-C-CCGGCCTGGTCTCTCCCGA. GRCh37 (hg19) VCF-style: chr11-68115537-C-CCGGCCTGGTCTCTCCCGA.
Other names: c.-1445_-1428dup (NM_001291902.2).
Identifiers: ClinVar variation 2122819 (VCV002122819.4), dbSNP rs2496383826, ClinGen allele CA2580084707.
Genomic context (GRCh38, chr11:68,348,069, plus strand): 5'-AGGCCATCAAGCAGACCTACCTGAACCAGACGGGGGCCGCCGTGCAGAACGTGGTCATCT[C>CCGGCCTGGTCTCTCCCGA]CGGCCTGGTCTCTCCCGACGGCCTCGCCTGCGACTGGGTGGGCAAGAAGCTGTACTGGAC-3'